The following is an entry in ClinVar:

NM_015107.3(PHF8):c.1854G>C (p.Glu618Asp)

Gene: PHF8 (PHD finger protein 8; minus strand). Cytogenetic location: Xp11.22.
Variant type: single nucleotide variant.
Coding change: c.1854G>C on transcript NM_015107.3 (MANE Select); coding-DNA position 1854, G replaced by C.
Protein change: p.Glu618Asp; replaces glutamic acid 618 with aspartic acid.
Molecular consequence: missense variant.
Genome position (GRCh38, 1-based): chrX:53,987,821, C>G on the plus strand (G>C on the coding strand, the complement: PHF8 is on the minus strand). VCF-style: chrX-53987821-C-G. GRCh37 (hg19) VCF-style: chrX-54014254-C-G.
Other names: c.1962G>C, p.Glu654Asp (NM_001184896.1); c.1551G>C, p.Glu517Asp (NM_001184897.2); c.1854G>C, p.Glu618Asp (NM_001184898.2); short protein forms E517D, E618D, E654D.
Identifiers: ClinVar variation 3363308 (VCV003363308.1).

ClinVar aggregate classification (germline): Uncertain significance (1 of 4 stars; one submission).

gnomAD v4.1: 3 of 1,207,266 alleles (0.00025%); highest among the groups gnomAD compares: African/African-American, 0.0052%; no homozygotes.

Submission:

GeneDx
Classification: Uncertain significance. Last evaluated: 2023-10-31. Review status: criteria provided, single submitter. Criteria: GeneDx Variant Classification Process June 2021. Collection method: clinical testing. Allele origin: germline. Affected: yes.
Comment: In silico analysis supports that this missense variant does not alter protein structure/function; Has not been previously published as pathogenic or benign to our knowledge